The following is an entry in ClinVar:

ClinVar aggregate classification (germline): Likely benign (1 of 4 stars; one submission).

Conditions:
SEMA3A-related disorder. Also called: SEMA3A-related condition.

gnomAD v4.1: 21 of 1,613,784 alleles (0.0013%); highest among the groups gnomAD compares: African/African-American, 0.0053%; no homozygotes.

Submission:

PreventionGenetics, part of Exact Sciences
Classification: Likely benign for SEMA3A-related condition. Last evaluated: 2025-09-10. Review status: criteria provided, single submitter. Criteria: ACMG Guidelines, 2015. Collection method: clinical testing. Allele origin: germline.
Comment: This variant is classified as likely benign based on ACMG/AMP sequence variant interpretation guidelines (Richards et al. 2015 PMID: 25741868, with internal and published modifications).

NM_006080.3(SEMA3A):c.402G>A (p.Thr134=)

Gene: SEMA3A (semaphorin 3A; minus strand). Cytogenetic location: 7q21.11.
Variant type: single nucleotide variant.
Coding change: c.402G>A on transcript NM_006080.3 (MANE Select); coding-DNA position 402, G replaced by A.
Protein change: p.Thr134=; no amino-acid change (threonine 134 retained).
Molecular consequence: synonymous variant.
Genome position (GRCh38, 1-based): chr7:84,110,521, C>T on the plus strand (G>A on the coding strand, the complement: SEMA3A is on the minus strand). VCF-style: chr7-84110521-C-T. GRCh37 (hg19) VCF-style: chr7-83739837-C-T.
Identifiers: ClinVar variation 4990193 (VCV004990193.1).